The following is an entry in ClinVar:

NM_001845.6(COL4A1):c.4411T>C (p.Tyr1471His)

Gene: COL4A1 (collagen type IV alpha 1 chain; minus strand). Cytogenetic location: 13q34.
Variant type: single nucleotide variant.
Coding change: c.4411T>C on transcript NM_001845.6 (MANE Select); coding-DNA position 4411, T replaced by C.
Protein change: p.Tyr1471His; replaces tyrosine 1471 with histidine.
Molecular consequence: missense variant.
Genome position (GRCh38, 1-based): chr13:110,162,281, A>G on the plus strand (T>C on the coding strand, the complement: COL4A1 is on the minus strand). VCF-style: chr13-110162281-A-G. GRCh37 (hg19) VCF-style: chr13-110814628-A-G.
Other names: c.4411T>C (NM_001845.4, NM_001845.5); short protein forms Y1471H.
Identifiers: ClinVar variation 2186444 (VCV002186444.7), dbSNP rs1230712550, ClinGen allele CA388657944.
Genomic context (GRCh38, chr13:110,162,281, plus strand): 5'-GCTTCTTACCCAAGTCCTGGCCATGGGCCCGTTCATTGCCTTGCACGTAGAGCAAAGAGT[A>G]CCCGTGGTAAAGAATTTTGGTCCCAGAAGGACACTGTGGGTCATCTATTGTTTGACTATG-3'
Protein context (NP_001836.3, residues 1461-1481): PSGTKILYHG[Tyr1471His]SLLYVQGNER

ClinVar aggregate classification (germline): Uncertain significance. Review status: criteria provided, multiple submitters, no conflicts (2 of 4 stars). 4 submissions from 4 submitters: Uncertain significance (4). Last evaluated 2026-08-01.

Conditions:
Inborn genetic diseases. Identifiers: MedGen C0950123, MeSH D030342.
COL4A1-related disorder. Also called: COL4A1-related condition; COL4A1-related disorders. Identifiers: MedGen CN376119, MONDO:0800461.

gnomAD v4.1: 11 of 1,614,216 alleles (0.00068%); highest among the groups gnomAD compares: Non-Finnish European, 0.00093%; no homozygotes.

Submissions (4):

PreventionGenetics, part of Exact Sciences
Classification: Uncertain significance for COL4A1-related condition. Last evaluated: 2026-08-01. Review status: criteria provided, single submitter. Criteria: ACMG Guidelines, 2015. Collection method: clinical testing. Allele origin: germline.
Comment: The COL4A1 c.4411T>C variant is predicted to result in the amino acid substitution p.Tyr1471His. To our knowledge, this variant has not been reported in the literature. This variant is reported in 0.00088% of alleles in individuals of European (Non-Finnish) descent in gnomAD. Although we suspect that this variant may be benign, at this time, the clinical significance of this variant is uncertain due to the absence of conclusive functional and genetic evidence.

Ambry Genetics
Classification: Uncertain significance for Inborn genetic diseases. Last evaluated: 2026-05-12. Review status: criteria provided, single submitter. Criteria: Ambry Variant Classification Scheme 2023. Collection method: clinical testing. Allele origin: germline.
Comment: The c.4411T>C (p.Y1471H) alteration is located in exon 48 (coding exon 48) of the COL4A1 gene. This alteration results from a T to C substitution at nucleotide position 4411, causing the tyrosine (Y) at amino acid position 1471 to be replaced by a histidine (H). Based on data from gnomAD, the C allele has an overall frequency of <0.001% (1/251484) total alleles studied. The highest observed frequency was 0.001% (1/113766) of European (non-Finnish) alleles. Based on insufficient or conflicting evidence, the clinical significance of this alteration remains unclear.

Labcorp Genetics (formerly Invitae), Labcorp
Classification: Uncertain significance. Last evaluated: 2025-05-11. Review status: criteria provided, single submitter. Criteria: Invitae Variant Classification Sherloc (09022015). Collection method: clinical testing. Allele origin: germline.
Comment: This sequence change replaces tyrosine, which is neutral and polar, with histidine, which is basic and polar, at codon 1471 of the COL4A1 protein (p.Tyr1471His). This variant is present in population databases (no rsID available, gnomAD 0.0009%). This variant has not been reported in the literature in individuals affected with COL4A1-related conditions. ClinVar contains an entry for this variant (Variation ID: 2186444). Invitae Evidence Modeling of protein sequence and biophysical properties (such as structural, functional, and spatial information, amino acid conservation, physicochemical variation, residue mobility, and thermodynamic stability) has been performed for this missense variant. However, the output from this modeling did not meet the statistical confidence thresholds required to predict the impact of this variant on COL4A1 protein function. In summary, the available evidence is currently insufficient to determine the role of this variant in disease. Therefore, it has been classified as a Variant of Uncertain Significance.

GeneDx
Classification: Uncertain significance. Last evaluated: 2025-04-24. Review status: criteria provided, single submitter. Criteria: GeneDx Variant Classification Process June 2021. Collection method: clinical testing. Allele origin: germline. Affected: yes.
Comment: In silico analysis supports that this missense variant has a deleterious effect on protein structure/function; Has not been previously published as pathogenic or benign to our knowledge